The following is an entry in ClinVar:

NM_004064.5(CDKN1B):c.103C>G (p.Pro35Ala)

Gene: CDKN1B (cyclin dependent kinase inhibitor 1B; plus strand). Cytogenetic location: 12p13.1.
Variant type: single nucleotide variant.
Coding change: c.103C>G on transcript NM_004064.5 (MANE Select); coding-DNA position 103, C replaced by G.
Protein change: p.Pro35Ala; replaces proline 35 with alanine.
Molecular consequence: missense variant.
Genome position (GRCh38, 1-based): chr12:12,717,942, C>G. VCF-style: chr12-12717942-C-G. GRCh37 (hg19) VCF-style: chr12-12870876-C-G.
Other names: short protein forms P35A.
Identifiers: ClinVar variation 1026814 (VCV001026814.8), dbSNP rs1946488503, ClinGen allele CA383968611.

ClinVar aggregate classification (germline): Uncertain significance (1 of 4 stars; one submission).

Conditions:
Multiple endocrine neoplasia type 4. Also called: MULTIPLE ENDOCRINE NEOPLASIA, TYPE IV. Identifiers: Orphanet 276152, MedGen C1970712, MONDO:0012552, OMIM 610755.

Submission:

Labcorp Genetics (formerly Invitae), Labcorp
Classification: Uncertain significance for Multiple endocrine neoplasia type 4. Last evaluated: 2020-08-11. Review status: criteria provided, single submitter. Criteria: Invitae Variant Classification Sherloc (09022015). Collection method: clinical testing. Allele origin: germline.
Comment: In summary, the available evidence is currently insufficient to determine the role of this variant in disease. Therefore, it has been classified as a Variant of Uncertain Significance. Algorithms developed to predict the effect of missense changes on protein structure and function (SIFT, PolyPhen-2, Align-GVGD) all suggest that this variant is likely to be disruptive, but these predictions have not been confirmed by published functional studies and their clinical significance is uncertain. This variant has not been reported in the literature in individuals with CDKN1B-related conditions. This variant is not present in population databases (ExAC no frequency). This sequence change replaces proline with alanine at codon 35 of the CDKN1B protein (p.Pro35Ala). The proline residue is highly conserved and there is a small physicochemical difference between proline and alanine.